The following is an entry in ClinVar:

NM_017763.6(RNF43):c.937A>G (p.Met313Val)

Gene: RNF43 (ring finger protein 43; minus strand). Cytogenetic location: 17q22.
Variant type: single nucleotide variant.
Coding change: c.937A>G on transcript NM_017763.6 (MANE Select); coding-DNA position 937, A replaced by G.
Protein change: p.Met313Val; replaces methionine 313 with valine.
Molecular consequence: missense variant.
Genome position (GRCh38, 1-based): chr17:58,360,164, T>C on the plus strand (A>G on the coding strand, the complement: RNF43 is on the minus strand). VCF-style: chr17-58360164-T-C. GRCh37 (hg19) VCF-style: chr17-56437525-T-C.
Other names: c.937A>G, p.Met313Val (NM_001305544.3); c.556A>G, p.Met186Val (NM_001305545.2); c.937A>G (NM_017763.4); short protein forms M186V, M313V.
Identifiers: ClinVar variation 2678422 (VCV002678422.2), dbSNP rs2143438656, ClinGen allele CA400333317.

ClinVar aggregate classification (germline): Uncertain significance. Review status: criteria provided, multiple submitters, no conflicts (2 of 4 stars). 2 submissions from 2 submitters: Uncertain significance (2). Last evaluated 2025-10-22.

Conditions:
Sessile serrated polyposis cancer syndrome (SSPCS). Identifiers: Orphanet 157798, MedGen C4310714, MONDO:0014919, OMIM 617108.

Submissions (2):

Ambry Genetics
Classification: Uncertain significance. Last evaluated: 2025-10-22. Review status: criteria provided, single submitter. Criteria: Ambry Variant Classification Scheme 2023. Collection method: clinical testing. Allele origin: germline.
Comment: The p.M313V variant (also known as c.937A>G), located in coding exon 7 of the RNF43 gene, results from an A to G substitution at nucleotide position 937. The methionine at codon 313 is replaced by valine, an amino acid with highly similar properties. This amino acid position is conserved. In addition, the in silico prediction for this alteration is inconclusive. Based on the available evidence, the clinical significance of this variant remains unclear.

Baylor Genetics
Classification: Uncertain significance for Sessile serrated polyposis cancer syndrome. Last evaluated: 2023-06-02. Review status: criteria provided, single submitter. Criteria: ACMG Guidelines, 2015. Collection method: clinical testing. Allele origin: unknown.